The following is an entry in ClinVar:

NM_001177316.2(SLC34A3):c.1738G>T (p.Ala580Ser)

Gene: SLC34A3 (solute carrier family 34 member 3; plus strand). Cytogenetic location: 9q34.3.
Variant type: single nucleotide variant.
Coding change: c.1738G>T on transcript NM_001177316.2 (MANE Select); coding-DNA position 1738, G replaced by T.
Protein change: p.Ala580Ser; replaces alanine 580 with serine.
Molecular consequence: missense variant.
Genome position (GRCh38, 1-based): chr9:137,236,354, G>T. VCF-style: chr9-137236354-G-T. GRCh37 (hg19) VCF-style: chr9-140130806-G-T.
Other names: c.1738G>T, p.Ala580Ser (NM_001177317.2, NM_080877.3); short protein forms A580S.
Identifiers: ClinVar variation 4526816 (VCV004526816.1).

ClinVar aggregate classification (germline): Uncertain significance (1 of 4 stars; one submission).

Conditions:
Autosomal recessive hypophosphatemic bone disease (HHRH). Also called: HYPERCALCIURIC RICKETS; Hypophosphatemic rickets with hypercalciuria. Identifiers: Orphanet 157215, MedGen C1853271, MONDO:0009431, OMIM 241530.

gnomAD v4.1: 11 of 1,540,822 alleles (0.00071%); highest among the groups gnomAD compares: Admixed American, 0.016%; no homozygotes.

Submission:

Rare Kidney Stone Consortium and the Mayo Clinic Hyperoxaluria Center, Mayo Clinic
Classification: Uncertain significance for Autosomal recessive hypophosphatemic bone disease. Last evaluated: 2025-10-03. Review status: criteria provided, single submitter. Criteria: ACMG Guidelines, 2015. Collection method: research. Allele origin: germline. Observed: 1 variant allele.
Comment: ACMG:PM1, PM2, BP4

Literature cited by the submitters: PubMed 40794449.